The following is an entry in ClinVar:

NM_001103.4(ACTN2):c.143G>C (p.Cys48Ser)

Gene: ACTN2 (actinin alpha 2; plus strand). Cytogenetic location: 1q43.
Variant type: single nucleotide variant.
Coding change: c.143G>C on transcript NM_001103.4 (MANE Select); coding-DNA position 143, G replaced by C.
Protein change: p.Cys48Ser; replaces cysteine 48 with serine.
Molecular consequence: missense variant. On other transcripts: 5 prime UTR variant (1).
Genome position (GRCh38, 1-based): chr1:236,717,874, G>C. VCF-style: chr1-236717874-G-C. GRCh37 (hg19) VCF-style: chr1-236881174-G-C.
Other names: p.C48S:TGT>TCT; c.143G>C, p.Cys48Ser (NM_001278343.2); c.-679G>C (NM_001278344.2); short protein forms C48S.
Identifiers: ClinVar variation 201626 (VCV000201626.10), dbSNP rs794728959, ClinGen allele CA335003.

ClinVar aggregate classification (germline): Uncertain significance. Review status: criteria provided, multiple submitters, no conflicts (2 of 4 stars). 2 submissions from 2 submitters: Uncertain significance (2). Last evaluated 2017-05-20.

Conditions:
Dilated cardiomyopathy 1AA (CMD1AA). Also called: Cardiomyopathy, dilated, 1AA, with or without LVNC; CARDIOMYOPATHY, DILATED, 1AA, WITH OR WITHOUT LEFT VENTRICULAR NONCOMPACTION; CARDIOMYOPATHY, FAMILIAL HYPERTROPHIC, 23, WITH OR WITHOUT LEFT VENTRICULAR NONCOMPACTION. Identifiers: Orphanet 154, MedGen C2677338, MONDO:0012808, OMIM 612158.
Primary familial hypertrophic cardiomyopathy (HCM). Identifiers: Orphanet 99739, MedGen C0949658, MeSH D024741, MONDO:0024573. Inheritance: Various modes of inheritance.

Submissions (2):

Labcorp Genetics (formerly Invitae), Labcorp
Classification: Uncertain significance for Primary familial hypertrophic cardiomyopathy; Dilated cardiomyopathy 1AA. Last evaluated: 2017-05-20. Review status: criteria provided, single submitter. Criteria: Invitae Variant Classification Sherloc (09022015). Collection method: clinical testing. Allele origin: germline.
Comment: This sequence change replaces cysteine with serine at codon 48 of the ACTN2 protein (p.Cys48Ser). The cysteine residue is highly conserved and there is a moderate physicochemical difference between cysteine and serine. In summary, this variant has uncertain impact on ACTN2 function. The available evidence is currently insufficient to determine its role in disease. Therefore, it has been classified as a Variant of Uncertain Significance. Algorithms developed to predict the effect of missense changes on protein structure and function (SIFT, PolyPhen-2, Align-GVGD) all suggest that this variant is likely to be disruptive, but these predictions have not been confirmed by published functional studies and their clinical significance is uncertain. This variant has not been reported in the literature in individuals with a ACTN2-related disease. ClinVar contains an entry for this variant (Variation ID: 201626). This variant is not present in population databases (ExAC no frequency).

GeneDx
Classification: Uncertain significance. Last evaluated: 2013-11-26. Review status: criteria provided, single submitter. Criteria: GeneDx Variant Classification (06012015). Collection method: clinical testing. Allele origin: germline. Affected: yes.
Comment: The Cys48Ser variant in the ACTN2 gene has not been reported as a disease-causing mutation or as a benign polymorphism to our knowledge. The Cys48Ser variant is a non-conservative amino acid substitution as these residues differ in polarity, charge, size and/or other properties and is more likely to impact secondary structure. This substitution occurs at a position that is conserved across species. In silico analysis predicts Cys48Ser is damaging to the protein structure/function. The Cys48Ser variant was not observed in approximately 6,500 individuals of European and African American ancestry in the NHLBI Exome Sequencing Project, indicating it is not a common benign variant in these populations. However, no mutations in nearby residues have been published, suggesting this region of the protein may be tolerant to change. With the clinical and molecular information available at this time, we cannot definitively determine if Cys48Ser is a disease-causing mutation or a rare benign variant. The variant is found in DCM-CRDM panel(s).